The following is an entry in ClinVar:

ClinVar aggregate classification (germline): Uncertain significance. Review status: criteria provided, multiple submitters, no conflicts (2 of 4 stars). 2 submissions from 2 submitters: Uncertain significance (2). Last evaluated 2025-11-12.

Conditions:
Inborn genetic diseases. Identifiers: MedGen C0950123, MeSH D030342.

Allele frequency attached by ClinVar (database versions not stated): ExAC 0.00001.
gnomAD v4.1: 23 of 1,613,444 alleles (0.0014%); highest among the groups gnomAD compares: Admixed American, 0.0033%; no homozygotes.

Submissions (2):

Ambry Genetics
Classification: Uncertain significance for Inborn genetic diseases. Last evaluated: 2025-11-12. Review status: criteria provided, single submitter. Criteria: Ambry Variant Classification Scheme 2023. Collection method: clinical testing. Allele origin: germline.

Mayo Clinic Laboratories, Mayo Clinic
Classification: Uncertain significance. Last evaluated: 2023-03-10. Review status: criteria provided, single submitter. Criteria: ACMG Guidelines, 2015. Collection method: clinical testing. Allele origin: germline. Observed: 1 variant allele.
Comment: BP4

NM_001368809.2(AMPD2):c.694G>A (p.Gly232Ser)

Gene: AMPD2 (adenosine monophosphate deaminase 2; plus strand). Cytogenetic location: 1p13.3.
Variant type: single nucleotide variant.
Coding change: c.694G>A on transcript NM_001368809.2 (MANE Select); coding-DNA position 694, G replaced by A.
Protein change: p.Gly232Ser; replaces glycine 232 with serine.
Molecular consequence: missense variant.
Genome position (GRCh38, 1-based): chr1:109,626,888, G>A. VCF-style: chr1-109626888-G-A. GRCh37 (hg19) VCF-style: chr1-110169510-G-A.
Other names: p.Gly286Ser; c.856G>A (NM_004037.6, NM_001257360.1); c.502G>A, p.Gly168Ser (NM_001257361.2); c.631G>A, p.Gly211Ser (NM_001308170.1); c.694G>A, p.Gly232Ser (NM_004037.9); c.613G>A, p.Gly205Ser (NM_139156.4); short protein forms G168S, G205S, G211S, G232S.
Identifiers: ClinVar variation 2683723 (VCV002683723.2), dbSNP rs758973170, ClinGen allele CA992870.